The following is an entry in ClinVar:

ClinVar aggregate classification (germline): Pathogenic/Likely pathogenic. Review status: criteria provided, multiple submitters, no conflicts (2 of 4 stars). 3 submissions from 3 submitters: Pathogenic (2); Likely pathogenic (1). Last evaluated 2025-08-01.

Conditions:
Snijders Blok-Campeau syndrome. Also called: INTELLECTUAL DEVELOPMENTAL DISORDER WITH MACROCEPHALY, SPEECH DELAY, AND DYSMORPHIC FACIES. Identifiers: Orphanet 599082, MedGen C4748701, MONDO:0032600, OMIM 618205.

Submissions (3):

CeGaT Center for Human Genetics Tuebingen
Classification: Likely pathogenic. Last evaluated: 2025-08-01. Review status: criteria provided, single submitter. Criteria: CeGaT Center For Human Genetics Tuebingen Variant Classification Criteria Version 2. Collection method: clinical testing. Allele origin: germline. Affected: yes. Observed: 5 variant alleles.
Comment: CHD3: PVS1:Strong, PM2

GeneDx
Classification: Pathogenic. Last evaluated: 2025-04-22. Review status: criteria provided, single submitter. Criteria: GeneDx Variant Classification Process June 2021. Collection method: clinical testing. Allele origin: germline. Affected: yes.
Comment: Nonsense variant predicted to result in protein truncation or nonsense mediated decay in a gene for which loss of function is a known mechanism of disease; Not observed at significant frequency in large population cohorts (gnomAD); Has not been previously published as pathogenic or benign to our knowledge

Institute of Human Genetics, FAU Erlangen, Friedrich-Alexander-Universität Erlangen-Nürnberg
Classification: Pathogenic for Snijders Blok-Campeau syndrome. Last evaluated: 2023-09-08. Review status: criteria provided, single submitter. Criteria: Hauer et al. (Genet Med. 2018). Collection method: clinical testing. Allele origin: germline. Inheritance: Autosomal dominant inheritance. Affected: yes. Observed: 1 variant allele.
Comment: This variant has been identified by standard clinical testing. de novo Selected ACMG criteria: Pathogenic (I):PM2;PS2;PVS1

NM_001005273.3(CHD3):c.5053C>T (p.Arg1685Ter)

Gene: CHD3 (chromodomain helicase DNA binding protein 3; plus strand). Cytogenetic location: 17p13.1.
Variant type: single nucleotide variant.
Coding change: c.5053C>T on transcript NM_001005273.3 (MANE Select); coding-DNA position 5053, C replaced by T.
Protein change: p.Arg1685Ter; replaces arginine 1685 with a stop codon.
Molecular consequence: nonsense.
Genome position (GRCh38, 1-based): chr17:7,907,920, C>T. VCF-style: chr17-7907920-C-T. GRCh37 (hg19) VCF-style: chr17-7811238-C-T.
Other names: c.5230C>T (NM_001005271.2); c.5230C>T, p.Arg1744Ter (NM_001005271.3); c.4951C>T, p.Arg1651Ter (NM_005852.4); short protein forms R1651*, R1744*, R1685*.
Identifiers: ClinVar variation 872115 (VCV000872115.43), dbSNP rs1971195837, ClinGen allele CA397948264.